The following is an entry in ClinVar:

NM_000170.3(GLDC):c.721G>A (p.Gly241Arg)

Gene: GLDC (glycine decarboxylase; minus strand). Cytogenetic location: 9p24.1.
Variant type: single nucleotide variant.
Coding change: c.721G>A on transcript NM_000170.3 (MANE Select); coding-DNA position 721, G replaced by A.
Protein change: p.Gly241Arg; replaces glycine 241 with arginine.
Molecular consequence: missense variant.
Genome position (GRCh38, 1-based): chr9:6,605,271, C>T on the plus strand (G>A on the coding strand, the complement: GLDC is on the minus strand). VCF-style: chr9-6605271-C-T. GRCh37 (hg19) VCF-style: chr9-6605271-C-T.
Other names: short protein forms G241R.
Identifiers: ClinVar variation 1435346 (VCV001435346.8), dbSNP rs2129898592, ClinGen allele CA372896806.

ClinVar aggregate classification (germline): Uncertain significance (1 of 4 stars; one submission).

Conditions:
Glycine encephalopathy. Also called: Non-ketotic hyperglycinemia; Nonketotic hyperglycinemia. Identifiers: Orphanet 407, MedGen C0751748, MONDO:0011612, HP:0008288.

Submission:

Labcorp Genetics (formerly Invitae), Labcorp
Classification: Uncertain significance for Glycine encephalopathy. Last evaluated: 2022-11-03. Review status: criteria provided, single submitter. Criteria: Invitae Variant Classification Sherloc (09022015). Collection method: clinical testing. Allele origin: germline.
Comment: In summary, the available evidence is currently insufficient to determine the role of this variant in disease. Therefore, it has been classified as a Variant of Uncertain Significance. Advanced modeling of protein sequence and biophysical properties (such as structural, functional, and spatial information, amino acid conservation, physicochemical variation, residue mobility, and thermodynamic stability) performed at Invitae indicates that this missense variant is not expected to disrupt GLDC protein function. ClinVar contains an entry for this variant (Variation ID: 1435346). This variant has not been reported in the literature in individuals affected with GLDC-related conditions. This variant is not present in population databases (gnomAD no frequency). This sequence change replaces glycine, which is neutral and non-polar, with arginine, which is basic and polar, at codon 241 of the GLDC protein (p.Gly241Arg).